The following is an entry in ClinVar:

ClinVar aggregate classification (germline): Uncertain significance. Review status: criteria provided, multiple submitters, no conflicts (2 of 4 stars). 2 submissions from 2 submitters: Uncertain significance (2). Last evaluated 2022-07-01.

Allele frequency attached by ClinVar (database versions not stated): gnomAD exomes below 0.00001 and 0.00001; TOPMed below 0.00001; gnomAD 0.00001.
gnomAD v4.1: 3 of 1,613,874 alleles (0.00019%); highest among the groups gnomAD compares: East Asian, 0.0067%; no homozygotes.

Submissions (2):

GeneDx
Classification: Uncertain significance. Last evaluated: 2022-07-01. Review status: criteria provided, single submitter. Criteria: GeneDx Variant Classification Process June 2021. Collection method: clinical testing. Allele origin: germline. Affected: yes.
Comment: In silico analysis supports that this missense variant does not alter protein structure/function; Has not been previously published as pathogenic or benign to our knowledge

Labcorp Genetics (formerly Invitae), Labcorp
Classification: Uncertain significance. Last evaluated: 2021-09-15. Review status: criteria provided, single submitter. Criteria: Invitae Variant Classification Sherloc (09022015). Collection method: clinical testing. Allele origin: germline.
Comment: In summary, the available evidence is currently insufficient to determine the role of this variant in disease. Therefore, it has been classified as a Variant of Uncertain Significance. Algorithms developed to predict the effect of missense changes on protein structure and function are either unavailable or do not agree on the potential impact of this missense change (SIFT: "Tolerated"; PolyPhen-2: "Possibly Damaging"; Align-GVGD: "Class C0"). This variant has not been reported in the literature in individuals affected with WHRN-related conditions. This variant is not present in population databases (ExAC no frequency). This sequence change replaces serine with arginine at codon 531 of the WHRN protein (p.Ser531Arg). The serine residue is highly conserved and there is a moderate physicochemical difference between serine and arginine.

NM_015404.4(WHRN):c.1591A>C (p.Ser531Arg)

Gene: WHRN (whirlin; minus strand). Cytogenetic location: 9q32.
Variant type: single nucleotide variant.
Coding change: c.1591A>C on transcript NM_015404.4 (MANE Select); coding-DNA position 1591, A replaced by C.
Protein change: p.Ser531Arg; replaces serine 531 with arginine.
Molecular consequence: missense variant.
Genome position (GRCh38, 1-based): chr9:114,423,349, T>G on the plus strand (A>C on the coding strand, the complement: WHRN is on the minus strand). VCF-style: chr9-114423349-T-G. GRCh37 (hg19) VCF-style: chr9-117185629-T-G.
Other names: c.442A>C, p.Ser148Arg (NM_001083885.3); c.1591A>C, p.Ser531Arg (NM_001173425.2); c.538A>C, p.Ser180Arg (NM_001346890.1); short protein forms S148R, S180R, S531R.
Identifiers: ClinVar variation 1519244 (VCV001519244.7), dbSNP rs1217731688, ClinGen allele CA374606947.